The following is an entry in ClinVar:

NM_080424.4(SP110):c.2135T>G (p.Leu712Arg)

Gene: SP110 (SP110 nuclear body protein; minus strand). Cytogenetic location: 2q37.1.
Variant type: single nucleotide variant.
Coding change: c.2135T>G on transcript NM_080424.4 (MANE Select); coding-DNA position 2135, T replaced by G.
Protein change: p.Leu712Arg; replaces leucine 712 with arginine.
Molecular consequence: missense variant.
Genome position (GRCh38, 1-based): chr2:230,169,131, A>C on the plus strand (T>G on the coding strand, the complement: SP110 is on the minus strand). VCF-style: chr2-230169131-A-C. GRCh37 (hg19) VCF-style: chr2-231033847-A-C.
Other names: c.2231T>G, p.Leu744Arg (NM_001378442.1); c.2213T>G, p.Leu738Arg (NM_001378443.1); c.2153T>G, p.Leu718Arg (NM_001378444.1); c.2081T>G, p.Leu694Arg (NM_001378445.1); c.1940T>G, p.Leu647Arg (NM_001378446.1); c.2063T>G, p.Leu688Arg (NM_004509.5); short protein forms L738R, L647R, L688R, L694R, L744R, L712R, L718R.
Identifiers: ClinVar variation 1037035 (VCV001037035.4), dbSNP rs757369735, ClinGen allele CA2154227.

ClinVar aggregate classification (germline): Uncertain significance (1 of 4 stars; one submission).

Conditions:
Hepatic veno-occlusive disease-immunodeficiency syndrome. Also called: Hepatic Veno-Occlusive Disease with Immunodeficiency. Identifiers: Orphanet 79124, MedGen C1856128, MONDO:0009338, OMIM 235550. Disease mechanism: loss of function.

Allele frequency attached by ClinVar (database versions not stated): gnomAD 0.00001; ExAC 0.00002; gnomAD exomes 0.00002.
gnomAD v4.1: 45 of 1,604,924 alleles (0.0028%); highest among the groups gnomAD compares: Non-Finnish European, 0.0038%; no homozygotes.

Submission:

Labcorp Genetics (formerly Invitae), Labcorp
Classification: Uncertain significance for Hepatic veno-occlusive disease-immunodeficiency syndrome. Last evaluated: 2021-09-27. Review status: criteria provided, single submitter. Criteria: Invitae Variant Classification Sherloc (09022015). Collection method: clinical testing. Allele origin: germline.
Comment: This variant is present in population databases (rs757369735, ExAC 0.003%). In summary, the available evidence is currently insufficient to determine the role of this variant in disease. Therefore, it has been classified as a Variant of Uncertain Significance. Algorithms developed to predict the effect of missense changes on protein structure and function output the following: SIFT: "Tolerated"; PolyPhen-2: "Benign"; Align-GVGD: "Class C0". The arginine amino acid residue is found in multiple mammalian species, which suggests that this missense change does not adversely affect protein function. This variant has not been reported in the literature in individuals affected with SP110-related conditions. This sequence change replaces leucine with arginine at codon 688 of the SP110 protein (p.Leu688Arg). The leucine residue is weakly conserved and there is a moderate physicochemical difference between leucine and arginine.